The following is an entry in ClinVar:

NM_000379.4(XDH):c.429C>G (p.Phe143Leu)

Gene: XDH (xanthine dehydrogenase; minus strand). Cytogenetic location: 2p23.1.
Variant type: single nucleotide variant.
Coding change: c.429C>G on transcript NM_000379.4 (MANE Select); coding-DNA position 429, C replaced by G.
Protein change: p.Phe143Leu; replaces phenylalanine 143 with leucine.
Molecular consequence: missense variant.
Genome position (GRCh38, 1-based): chr2:31,398,577, G>C on the plus strand (C>G on the coding strand, the complement: XDH is on the minus strand). VCF-style: chr2-31398577-G-C. GRCh37 (hg19) VCF-style: chr2-31621443-G-C.
Other names: c.429C>G (NM_000379.3); short protein forms F143L.
Identifiers: ClinVar variation 1062378 (VCV001062378.12), dbSNP rs780614997, ClinGen allele CA1599650.

ClinVar aggregate classification (germline): Uncertain significance. Review status: criteria provided, multiple submitters, no conflicts (2 of 4 stars). 3 submissions from 3 submitters: Uncertain significance (3). Last evaluated 2025-02-28.

Conditions:
Xanthinuria type II. Also called: Xanthine dehydrogenase and aldehyde oxidase combined deficiency of; XDH and AOX dual deficiency. Identifiers: Orphanet 3467, Orphanet 93602, MedGen C1863688, MONDO:0011346, OMIM 603592.
Inborn genetic diseases. Identifiers: MedGen C0950123, MeSH D030342.
Hereditary xanthinuria type 1 (XAN1). Identifiers: Orphanet 3467, Orphanet 93601, MedGen C0268118, MONDO:0010209, OMIM 278300.

Allele frequency attached by ClinVar (database versions not stated): gnomAD exomes below 0.00001 and 0.00002; ExAC 0.00002; TOPMed 0.00007; gnomAD 0.00008 and 0.00009.
gnomAD v4.1: 17 of 1,613,976 alleles (0.0011%); highest among the groups gnomAD compares: African/African-American, 0.02%; no homozygotes.

Submissions (3):

Ambry Genetics
Classification: Uncertain significance for Inborn genetic diseases. Last evaluated: 2025-02-28. Review status: criteria provided, single submitter. Criteria: Ambry Variant Classification Scheme 2023. Collection method: clinical testing. Allele origin: germline.

Labcorp Genetics (formerly Invitae), Labcorp
Classification: Uncertain significance for Xanthinuria type II. Last evaluated: 2024-12-09. Review status: criteria provided, single submitter. Criteria: Invitae Variant Classification Sherloc (09022015). Collection method: clinical testing. Allele origin: germline.
Comment: This sequence change replaces phenylalanine, which is neutral and non-polar, with leucine, which is neutral and non-polar, at codon 143 of the XDH protein (p.Phe143Leu). This variant is present in population databases (rs780614997, gnomAD 0.03%). This variant has not been reported in the literature in individuals affected with XDH-related conditions. ClinVar contains an entry for this variant (Variation ID: 1062378). An algorithm developed to predict the effect of missense changes on protein structure and function (PolyPhen-2) suggests that this variant is likely to be tolerated. In summary, the available evidence is currently insufficient to determine the role of this variant in disease. Therefore, it has been classified as a Variant of Uncertain Significance.

Fulgent Genetics
Classification: Uncertain significance for Hereditary xanthinuria type 1. Last evaluated: 2024-05-09. Review status: criteria provided, single submitter. Criteria: ACMG Guidelines, 2015. Collection method: clinical testing. Allele origin: germline.